The following is an entry in ClinVar:

NM_006300.4(ZNF230):c.387A>G (p.Gly129=)

Gene: ZNF230 (zinc finger protein 230; plus strand). Cytogenetic location: 19q13.31.
Variant type: single nucleotide variant.
Coding change: c.387A>G on transcript NM_006300.4 (MANE Select); coding-DNA position 387, A replaced by G.
Protein change: p.Gly129=; no amino-acid change (glycine 129 retained).
Molecular consequence: synonymous variant.
Genome position (GRCh38, 1-based): chr19:44,010,426, A>G. VCF-style: chr19-44010426-A-G. GRCh37 (hg19) VCF-style: chr19-44514578-A-G.
Identifiers: ClinVar variation 2650075 (VCV002650075.24), dbSNP rs2514289444, ClinGen allele CA507938076.

ClinVar aggregate classification (germline): Likely benign (1 of 4 stars; one submission).

Allele frequency attached by ClinVar (database versions not stated): gnomAD exomes below 0.00001.
gnomAD v4.1: 1 of 1,614,228 alleles (0.000062%); highest among the groups gnomAD compares: Non-Finnish European, 0.000085%; no homozygotes.

Submission:

CeGaT Center for Human Genetics Tuebingen
Classification: Likely benign. Last evaluated: 2023-03-01. Review status: criteria provided, single submitter. Criteria: CeGaT Center For Human Genetics Tuebingen Variant Classification Criteria Version 2. Collection method: clinical testing. Allele origin: germline. Affected: yes. Observed: 1 variant allele.
Comment: ZNF230: PM2:Supporting, BP4, BP7